The following is an entry in ClinVar:

ClinVar aggregate classification (germline): Uncertain significance. Review status: criteria provided, multiple submitters, no conflicts (2 of 4 stars). 2 submissions from 2 submitters: Uncertain significance (2). Last evaluated 2026-02-21.

Conditions:
Leigh syndrome (NULS). Also called: LEIGH SYNDROME, NUCLEAR; Leigh's necrotizing encephalopathy; Leigh's disease; Leigh's syndrome; Leigh Syndrome (mtDNA deletion); Leigh Disease. Identifiers: Orphanet 506, MedGen C2931891, MONDO:0009723, OMIM 256000.

Allele frequency attached by ClinVar (database versions not stated): gnomAD exomes 0.00001; TOPMed 0.00001.

Submissions (2):

GeneDx
Classification: Uncertain significance. Last evaluated: 2026-02-21. Review status: criteria provided, single submitter. Criteria: GeneDx Variant Classification Process June 2021. Collection method: clinical testing. Allele origin: germline.
Comment: Not observed at significant frequency in large population cohorts (gnomAD); In silico analysis supports that this missense variant has a deleterious effect on protein structure/function; Has not been previously published as pathogenic or benign to our knowledge

Labcorp Genetics (formerly Invitae), Labcorp
Classification: Uncertain significance for Leigh syndrome. Last evaluated: 2022-06-27. Review status: criteria provided, single submitter. Criteria: Invitae Variant Classification Sherloc (09022015). Collection method: clinical testing. Allele origin: germline.
Comment: This sequence change replaces aspartic acid, which is acidic and polar, with alanine, which is neutral and non-polar, at codon 127 of the SURF1 protein (p.Asp127Ala). This variant is present in population databases (rs782197597, gnomAD 0.0009%). This variant has not been reported in the literature in individuals affected with SURF1-related conditions. Algorithms developed to predict the effect of missense changes on protein structure and function are either unavailable or do not agree on the potential impact of this missense change (SIFT: "Tolerated"; PolyPhen-2: "Probably Damaging"; Align-GVGD: "Class C0"). In summary, the available evidence is currently insufficient to determine the role of this variant in disease. Therefore, it has been classified as a Variant of Uncertain Significance.

NM_003172.4(SURF1):c.380A>C (p.Asp127Ala)

Gene: SURF1 (SURF1 cytochrome c oxidase assembly factor; minus strand). Cytogenetic location: 9q34.2.
Variant type: single nucleotide variant.
Coding change: c.380A>C on transcript NM_003172.4 (MANE Select); coding-DNA position 380, A replaced by C.
Protein change: p.Asp127Ala; replaces aspartic acid 127 with alanine.
Molecular consequence: missense variant.
Genome position (GRCh38, 1-based): chr9:133,353,884, T>G on the plus strand (A>C on the coding strand, the complement: SURF1 is on the minus strand). VCF-style: chr9-133353884-T-G. GRCh37 (hg19) VCF-style: chr9-136220739-T-G.
Other names: c.380A>C (NM_003172.2); c.53A>C, p.Asp18Ala (NM_001280787.1); short protein forms D18A, D127A.
Identifiers: ClinVar variation 1349600 (VCV001349600.4), dbSNP rs782197597, ClinGen allele CA200833049.